The following is an entry in ClinVar:

ClinVar aggregate classification (germline): Uncertain significance (1 of 4 stars; one submission).

Conditions:
Emery-Dreifuss muscular dystrophy 5, autosomal dominant (EDMD5). Also called: EMERY-DREIFUSS MUSCULAR DYSTROPHY 5. Identifiers: Orphanet 261, MedGen C2751805, MONDO:0013072, OMIM 612999.

Submission:

Labcorp Genetics (formerly Invitae), Labcorp
Classification: Uncertain significance for Emery-Dreifuss muscular dystrophy 5, autosomal dominant. Last evaluated: 2022-06-03. Review status: criteria provided, single submitter. Criteria: Invitae Variant Classification Sherloc (09022015). Collection method: clinical testing. Allele origin: germline.
Comment: This variant is a gross deletion of the genomic region encompassing exon(s) 68 of the SYNE2 gene. This variant would be expected to be in-frame, preserving the integrity of the reading frame. This variant has not been reported in the literature in individuals affected with SYNE2-related conditions. Experimental studies and prediction algorithms are not available or were not evaluated, and the functional significance of this variant is currently unknown. In summary, the available evidence is currently insufficient to determine the role of this variant in disease. Therefore, it has been classified as a Variant of Uncertain Significance.

NC_000014.8:g.(?_64587625)_(64587799_?)del

Gene: SYNE2 (spectrin repeat containing nuclear envelope protein 2; plus strand). Cytogenetic location: 14q23.2.
Variant type: Deletion.
Identifiers: ClinVar variation 2427603 (VCV002427603.4).